The following is an entry in ClinVar:

NM_001204.7(BMPR2):c.1317G>C (p.Glu439Asp)

Gene: BMPR2 (bone morphogenetic protein receptor type 2; plus strand). Cytogenetic location: 2q33.2.
Variant type: single nucleotide variant.
Coding change: c.1317G>C on transcript NM_001204.7 (MANE Select); coding-DNA position 1317, G replaced by C.
Protein change: p.Glu439Asp; replaces glutamic acid 439 with aspartic acid.
Molecular consequence: missense variant.
Genome position (GRCh38, 1-based): chr2:202,542,351, G>C. VCF-style: chr2-202542351-G-C. GRCh37 (hg19) VCF-style: chr2-203407074-G-C.
Other names: short protein forms E439D.
Identifiers: ClinVar variation 4214565 (VCV004214565.1).

ClinVar aggregate classification (germline): Uncertain significance (1 of 4 stars; one submission).

Conditions:
Inborn genetic diseases. Identifiers: MedGen C0950123, MeSH D030342.

Submission:

Ambry Genetics
Classification: Uncertain significance for Inborn genetic diseases. Last evaluated: 2025-09-13. Review status: criteria provided, single submitter. Criteria: Ambry Variant Classification Scheme 2023. Collection method: clinical testing. Allele origin: germline.
Comment: The p.E439D variant (also known as c.1317G>C), located in coding exon 10 of the BMPR2 gene, results from a G to C substitution at nucleotide position 1317. The glutamic acid at codon 439 is replaced by aspartic acid, an amino acid with highly similar properties. This amino acid position is conserved. In addition, the in silico prediction for this alteration is inconclusive. Based on the available evidence, the clinical significance of this variant remains unclear.